The following is an entry in ClinVar:

NM_006947.4(SRP72):c.85C>T (p.Arg29Cys)

Gene: SRP72 (signal recognition particle 72; plus strand). Cytogenetic location: 4q12.
Variant type: single nucleotide variant.
Coding change: c.85C>T on transcript NM_006947.4 (MANE Select); coding-DNA position 85, C replaced by T.
Protein change: p.Arg29Cys; replaces arginine 29 with cysteine.
Molecular consequence: missense variant. On other transcripts: non-coding transcript variant (1).
Genome position (GRCh38, 1-based): chr4:56,467,720, C>T. VCF-style: chr4-56467720-C-T. GRCh37 (hg19) VCF-style: chr4-57333886-C-T.
Other names: c.85C>T, p.Arg29Cys (NM_001267722.2); short protein forms R29C.
Identifiers: ClinVar variation 2662274 (VCV002662274.2), dbSNP rs1342038011, ClinGen allele CA356995668.
Genomic context (GRCh38, chr4:56,467,720, plus strand): 5'-GTGTCAGTACCTGCGCTGTGGAGTGAAGTGAACCGGTATGGCCAGAACGGCGACTTCACG[C>T]GCGCTCTCAAGACCGTCAATAAGAGTAAGTGTCGGGGTGGGCACTGGGGCGGGCCCAGGC-3'
Protein context (NP_008878.3, residues 19-39): NRYGQNGDFT[Arg29Cys]ALKTVNKILQ

ClinVar aggregate classification (germline): Uncertain significance. Review status: criteria provided, multiple submitters, no conflicts (2 of 4 stars). 2 submissions from 2 submitters: Uncertain significance (2). Last evaluated 2025-05-17.

Allele frequency attached by ClinVar (database versions not stated): gnomAD exomes below 0.00001; TOPMed below 0.00001.

Submissions (2):

Ambry Genetics
Classification: Uncertain significance. Last evaluated: 2025-05-17. Review status: criteria provided, single submitter. Criteria: Ambry Variant Classification Scheme 2023. Collection method: clinical testing. Allele origin: germline.
Comment: The p.R29C variant (also known as c.85C>T), located in coding exon 1 of the SRP72 gene, results from a C to T substitution at nucleotide position 85. The arginine at codon 29 is replaced by cysteine, an amino acid with highly dissimilar properties. This amino acid position is conserved. In addition, the in silico prediction for this alteration is inconclusive. Based on the available evidence, the clinical significance of this variant remains unclear.

GeneDx
Classification: Uncertain significance. Last evaluated: 2023-05-10. Review status: criteria provided, single submitter. Criteria: GeneDx Variant Classification Process June 2021. Collection method: clinical testing. Allele origin: germline. Affected: yes.
Comment: Not observed at significant frequency in large population cohorts (gnomAD); In silico analysis supports that this missense variant has a deleterious effect on protein structure/function; Has not been previously published as pathogenic or benign to our knowledge; This variant is associated with the following publications: (PMID: 27899666, 28369529)